The following is an entry in ClinVar:

NM_000254.3(MTR):c.*943T>C

Gene: MTR (5-methyltetrahydrofolate-homocysteine methyltransferase; plus strand). Cytogenetic location: 1q43.
Variant type: single nucleotide variant.
Coding change: c.*943T>C on transcript NM_000254.3 (MANE Select); 943 bases downstream of the stop codon, T replaced by C.
Molecular consequence: 3 prime UTR variant.
Genome position (GRCh38, 1-based): chr1:236,898,587, T>C. VCF-style: chr1-236898587-T-C. GRCh37 (hg19) VCF-style: chr1-237061887-T-C.
Other names: c.*943T>C (NM_001291939.1, NM_001291940.2).
Identifiers: ClinVar variation 296601 (VCV000296601.5), dbSNP rs536644478, ClinGen allele CA10609656.

ClinVar aggregate classification (germline): Benign (1 of 4 stars; one submission).

Conditions:
Disorders of Intracellular Cobalamin Metabolism. Identifiers: MedGen CN043592.

Allele frequency attached by ClinVar (database versions not stated): gnomAD 0.00421 and 0.00450; TOPMed 0.00493; 1000 Genomes Project 0.00539; 1000 Genomes Project 30x 0.00609.

Submission:

Illumina Laboratory Services, Illumina
Classification: Benign for Disorders of Intracellular Cobalamin Metabolism. Last evaluated: 2018-01-13. Review status: criteria provided, single submitter. Criteria: ICSL Variant Classification Criteria 13 December 2019. Collection method: clinical testing. Allele origin: germline.
Comment: This variant was observed in the ICSL laboratory as part of a predisposition screen in an ostensibly healthy population. It had not been previously curated by ICSL or reported in the Human Gene Mutation Database (HGMD: prior to June 1st, 2018), and was therefore a candidate for classification through an automated scoring system. Utilizing variant allele frequency, disease prevalence and penetrance estimates, and inheritance mode, an automated score was calculated to assess if this variant is too frequent to cause the disease. Based on the score and internal cut-off values, a variant classified as benign is not then subjected to further curation. The score for this variant resulted in a classification of benign for this disease.